The following is an entry in ClinVar:

NM_002485.5(NBN):c.1288C>T (p.Gln430Ter)

Gene: NBN (nibrin; minus strand). Cytogenetic location: 8q21.3.
Variant type: single nucleotide variant.
Coding change: c.1288C>T on transcript NM_002485.5 (MANE Select); coding-DNA position 1288, C replaced by T.
Protein change: p.Gln430Ter; replaces glutamine 430 with a stop codon.
Molecular consequence: nonsense.
Genome position (GRCh38, 1-based): chr8:89,955,392, G>A on the plus strand (C>T on the coding strand, the complement: NBN is on the minus strand). VCF-style: chr8-89955392-G-A. GRCh37 (hg19) VCF-style: chr8-90967620-G-A.
Other names: c.1042C>T, p.Gln348Ter (NM_001024688.3); short protein forms Q348*, Q430*.
Identifiers: ClinVar variation 1769021 (VCV001769021.2), dbSNP rs2488243594, ClinGen allele CA371656188.

ClinVar aggregate classification (germline): Pathogenic (1 of 4 stars; one submission).

Conditions:
Hereditary cancer-predisposing syndrome. Also called: Hereditary Cancer Syndrome; Hereditary neoplastic syndrome; Neoplastic Syndromes, Hereditary; Tumor predisposition. Identifiers: Orphanet 140162, MedGen C0027672, MeSH D009386, MONDO:0015356.

Submission:

Ambry Genetics
Classification: Pathogenic for Hereditary cancer-predisposing syndrome. Last evaluated: 2019-03-04. Review status: criteria provided, single submitter. Criteria: Ambry Variant Classification Scheme 2023. Collection method: clinical testing. Allele origin: germline.
Comment: The p.Q430* pathogenic mutation (also known as c.1288C>T), located in coding exon 10 of the NBN gene, results from a C to T substitution at nucleotide position 1288. This changes the amino acid from a glutamine to a stop codon within coding exon 10. This alteration is expected to result in loss of function by premature protein truncation or nonsense-mediated mRNA decay. As such, this alteration is interpreted as a disease-causing mutation.